The following is an entry in ClinVar:

NM_006059.4(LAMC3):c.374-3C>T

Gene: LAMC3 (laminin subunit gamma 3; plus strand). Cytogenetic location: 9q34.12.
Variant type: single nucleotide variant.
Coding change: c.374-3C>T on transcript NM_006059.4 (MANE Select); 3 bases into the intron before coding-DNA position 374, C replaced by T.
Molecular consequence: intron variant.
Genome position (GRCh38, 1-based): chr9:131,026,282, C>T. VCF-style: chr9-131026282-C-T. GRCh37 (hg19) VCF-style: chr9-133901669-C-T.
Identifiers: ClinVar variation 1962275 (VCV001962275.5), dbSNP rs774687837, ClinGen allele CA5286675.

ClinVar aggregate classification (germline): Uncertain significance (1 of 4 stars; one submission).

Allele frequency attached by ClinVar (database versions not stated): ExAC 0.00001; gnomAD exomes 0.00001; gnomAD 0.00003.
gnomAD v4.1: 17 of 1,613,910 alleles (0.0011%); highest among the groups gnomAD compares: Non-Finnish European, 0.0014%; no homozygotes.

Submission:

Labcorp Genetics (formerly Invitae), Labcorp
Classification: Uncertain significance. Last evaluated: 2022-02-18. Review status: criteria provided, single submitter. Criteria: Invitae Variant Classification Sherloc (09022015). Collection method: clinical testing. Allele origin: germline.
Comment: This sequence change falls in intron 1 of the LAMC3 gene. It does not directly change the encoded amino acid sequence of the LAMC3 protein. It affects a nucleotide within the consensus splice site. This variant is present in population databases (rs774687837, gnomAD 0.03%). In summary, the available evidence is currently insufficient to determine the role of this variant in disease. Therefore, it has been classified as a Variant of Uncertain Significance. Variants that disrupt the consensus splice site are a relatively common cause of aberrant splicing (PMID: 17576681, 9536098). Algorithms developed to predict the effect of sequence changes on RNA splicing suggest that this variant is not likely to affect RNA splicing. This variant has not been reported in the literature in individuals affected with LAMC3-related conditions.

Literature cited by the submitters: PubMed 17576681; PubMed 9536098.